The following is an entry in ClinVar:

NM_015272.5(RPGRIP1L):c.3203A>G (p.Glu1068Gly)

Gene: RPGRIP1L (RPGRIP1 like; minus strand). Cytogenetic location: 16q12.2.
Variant type: single nucleotide variant.
Coding change: c.3203A>G on transcript NM_015272.5 (MANE Select); coding-DNA position 3203, A replaced by G.
Protein change: p.Glu1068Gly; replaces glutamic acid 1068 with glycine.
Molecular consequence: missense variant.
Genome position (GRCh38, 1-based): chr16:53,637,712, T>C on the plus strand (A>G on the coding strand, the complement: RPGRIP1L is on the minus strand). VCF-style: chr16-53637712-T-C. GRCh37 (hg19) VCF-style: chr16-53671624-T-C.
Other names: c.3101A>G, p.Glu1034Gly (NM_001127897.4, NM_001330538.2); c.3203A>G, p.Glu1068Gly (NM_001308334.3); c.3203A>G (NM_015272.4); short protein forms E1034G, E1068G.
Identifiers: ClinVar variation 965380 (VCV000965380.12), dbSNP rs372404481, ClinGen allele CA8057347.

ClinVar aggregate classification (germline): Uncertain significance. Review status: criteria provided, multiple submitters, no conflicts (2 of 4 stars). 6 submissions from 6 submitters: Uncertain significance (5). 1 of the submissions does not count toward it. Last evaluated 2026-02-26.

Conditions:
RPGRIP1L-related disorder. Also called: RPGRIP1L-related condition; RPGRIP1L-related disorders. Identifiers: MedGen CN239416.
Meckel-Gruber syndrome. Also called: GRUBER SYNDROME; Dysencephalia splachnocystica; DYSENCEPHALIA SPLANCHNOCYSTICA. Identifiers: Orphanet 564, MedGen C0265215, MONDO:0018921.
Joubert syndrome. Also called: Familial aplasia of the vermis; JOUBERT-BOLTSHAUSER SYNDROME. Identifiers: Orphanet 475, MedGen C5979921, MONDO:0018772.
Joubert syndrome 7 (JBTS7). Identifiers: Orphanet 220497, MedGen C1969053, MONDO:0012694, OMIM 611560.
Meckel syndrome, type 5 (MKS5). Identifiers: Orphanet 564, MedGen C1969052, MONDO:0012695, OMIM 611561.
COACH syndrome 3. Identifiers: MedGen C5436841, MONDO:0030862, OMIM 619113.
Inborn genetic diseases. Identifiers: MedGen C0950123, MeSH D030342.

Allele frequency attached by ClinVar (database versions not stated): gnomAD exomes 0.00011 and 0.00004; ESP Exome Variant Server 0.00015; ExAC 0.00003; gnomAD 0.00003; TOPMed 0.00009.
gnomAD v4.1: 168 of 1,609,990 alleles (0.01%); highest among the groups gnomAD compares: Non-Finnish European, 0.014%; no homozygotes.

Submissions (6):

PreventionGenetics, part of Exact Sciences
Classification: Uncertain significance for RPGRIP1L-related condition. Last evaluated: 2026-02-26. Review status: criteria provided, single submitter. Criteria: ACMG Guidelines, 2015. Collection method: clinical testing. Allele origin: germline.
Comment: The RPGRIP1L c.3203A>G variant is predicted to result in the amino acid substitution p.Glu1068Gly. To our knowledge, this variant has not been reported in the literature. This variant is reported in 0.0079% of alleles in individuals of European (Non-Finnish) descent in gnomAD. At this time, the clinical significance of this variant is uncertain due to the absence of conclusive functional and genetic evidence.

Blueprint Genetics
Classification: Uncertain significance. Last evaluated: 2024-04-15. Review status: criteria provided, single submitter. Criteria: ACMG Guidelines, 2015. Collection method: clinical testing. Allele origin: germline.

Ambry Genetics
Classification: Uncertain significance for Inborn genetic diseases. Last evaluated: 2023-11-21. Review status: criteria provided, single submitter. Criteria: Ambry Variant Classification Scheme 2023. Collection method: clinical testing. Allele origin: germline.

Fulgent Genetics
Classification: Uncertain significance for Joubert syndrome 7; Meckel syndrome, type 5; COACH syndrome 3. Last evaluated: 2022-04-16. Review status: criteria provided, single submitter. Criteria: ACMG Guidelines, 2015. Collection method: clinical testing. Allele origin: unknown.

Labcorp Genetics (formerly Invitae), Labcorp
Classification: Uncertain significance for Joubert syndrome; Meckel-Gruber syndrome. Last evaluated: 2022-03-19. Review status: criteria provided, single submitter. Criteria: Invitae Variant Classification Sherloc (09022015). Collection method: clinical testing. Allele origin: germline.
Comment: This sequence change replaces glutamic acid, which is acidic and polar, with glycine, which is neutral and non-polar, at codon 1068 of the RPGRIP1L protein (p.Glu1068Gly). This variant is present in population databases (rs372404481, gnomAD 0.008%). This variant has not been reported in the literature in individuals affected with RPGRIP1L-related conditions. ClinVar contains an entry for this variant (Variation ID: 965380). Algorithms developed to predict the effect of missense changes on protein structure and function are either unavailable or do not agree on the potential impact of this missense change (SIFT: "Deleterious"; PolyPhen-2: "Possibly Damaging"; Align-GVGD: "Class C15"). In summary, the available evidence is currently insufficient to determine the role of this variant in disease. Therefore, it has been classified as a Variant of Uncertain Significance.

Natera, Inc.
Classification: Uncertain significance for Joubert syndrome. Last evaluated: 2020-11-20. Review status: no assertion criteria provided. Collection method: clinical testing. Allele origin: germline. Not counted in ClinVar's aggregate classification.